The following is an entry in ClinVar:

ClinVar aggregate classification (germline): Uncertain significance (1 of 4 stars; one submission).

Conditions:
Early-infantile DEE. Also called: Ohtahara syndrome; Early infantile epileptic encephalopathy; Early infantile epileptic encephalopathy with suppression bursts. Identifiers: Orphanet 1934, MedGen C0393706, MONDO:0800491.

gnomAD v4.1: 2 of 1,613,894 alleles (0.00012%); highest among the groups gnomAD compares: Non-Finnish European, 0.000085%; no homozygotes.

Submission:

Labcorp Genetics (formerly Invitae), Labcorp
Classification: Uncertain significance for Early-infantile DEE. Last evaluated: 2020-11-06. Review status: criteria provided, single submitter. Criteria: Invitae Variant Classification Sherloc (09022015). Collection method: clinical testing. Allele origin: germline.
Comment: This sequence change replaces threonine with asparagine at codon 441 of the KCNH5 protein (p.Thr441Asn). The threonine residue is moderately conserved and there is a small physicochemical difference between threonine and asparagine. This variant is not present in population databases (ExAC no frequency). This variant has not been reported in the literature in individuals with KCNH5-related conditions. Advanced modeling of protein sequence and biophysical properties (such as structural, functional, and spatial information, amino acid conservation, physicochemical variation, residue mobility, and thermodynamic stability) performed at Invitae indicates that this missense variant is not expected to disrupt KCNH5 protein function. In summary, the available evidence is currently insufficient to determine the role of this variant in disease. Therefore, it has been classified as a Variant of Uncertain Significance.

NM_139318.5(KCNH5):c.1322C>A (p.Thr441Asn)

Gene: KCNH5 (potassium voltage-gated channel subfamily H member 5; minus strand). Cytogenetic location: 14q23.2.
Variant type: single nucleotide variant.
Coding change: c.1322C>A on transcript NM_139318.5 (MANE Select); coding-DNA position 1322, C replaced by A.
Protein change: p.Thr441Asn; replaces threonine 441 with asparagine.
Molecular consequence: missense variant.
Genome position (GRCh38, 1-based): chr14:62,950,180, G>T on the plus strand (C>A on the coding strand, the complement: KCNH5 is on the minus strand). VCF-style: chr14-62950180-G-T. GRCh37 (hg19) VCF-style: chr14-63416898-G-T.
Other names: c.1322C>A, p.Thr441Asn (NM_172375.3); short protein forms T441N.
Identifiers: ClinVar variation 1497155 (VCV001497155.9), dbSNP rs189501067, ClinGen allele CA390102771.